The following is an entry in ClinVar:

NM_001035.3(RYR2):c.14433A>C (p.Thr4811=)

Gene: RYR2 (ryanodine receptor 2; plus strand). Cytogenetic location: 1q43.
Variant type: single nucleotide variant.
Coding change: c.14433A>C on transcript NM_001035.3 (MANE Select); coding-DNA position 14433, A replaced by C.
Protein change: p.Thr4811=; no amino-acid change (threonine 4811 retained).
Molecular consequence: synonymous variant.
Genome position (GRCh38, 1-based): chr1:237,809,035, A>C. VCF-style: chr1-237809035-A-C. GRCh37 (hg19) VCF-style: chr1-237972335-A-C.
Identifiers: ClinVar variation 1772734 (VCV001772734.5), dbSNP rs2528176125, ClinGen allele CA424051758.

ClinVar aggregate classification (germline): Likely benign. Review status: criteria provided, multiple submitters, no conflicts (2 of 4 stars). 3 submissions from 3 submitters: Likely benign (3). Last evaluated 2024-08-06.

Conditions:
Catecholaminergic polymorphic ventricular tachycardia (CVPT). Also called: Catecholamine-induced polymorphic ventricular tachycardia. Identifiers: Orphanet 3286, MedGen C5574922, MONDO:0017990.
Cardiovascular phenotype. Identifiers: MedGen CN230736.
Cardiomyopathy (CMYO). Also called: Cardiomyopathies. Identifiers: Orphanet 167848, MedGen C0878544, MONDO:0004994, HP:0001638. Inheritance: Various modes of inheritance.

Submissions (3):

All of Us Research Program, National Institutes of Health
Classification: Likely benign for Catecholaminergic polymorphic ventricular tachycardia. Last evaluated: 2024-08-06. Review status: criteria provided, single submitter. Criteria: ACMG Guidelines, 2015. Collection method: clinical testing. Allele origin: germline. Inheritance: Autosomal dominant inheritance. Observed: 1 variant allele, 1 heterozygote.
Comment: This study involves interpretation of variants in research participants for the purpose of population health screening. Participant phenotype was not available at the time of variant classification. Additional details can be found in publication PMID: 35346344, PMCID: PMC8962531

Color Diagnostics, LLC DBA Color Health
Classification: Likely benign for Cardiomyopathy. Last evaluated: 2022-04-25. Review status: criteria provided, single submitter. Criteria: ACMG Guidelines, 2015. Collection method: clinical testing. Allele origin: germline.

Ambry Genetics
Classification: Likely benign for Cardiovascular phenotype. Last evaluated: 2020-11-23. Review status: criteria provided, single submitter. Criteria: Ambry Variant Classification Scheme 2023. Collection method: clinical testing. Allele origin: germline.